The following is an entry in ClinVar:

ClinVar aggregate classification (germline): Conflicting classifications of pathogenicity. Review status: criteria provided, conflicting classifications (1 of 4 stars). 7 submissions from 6 submitters: Uncertain significance (2); Benign (1); Likely benign (4). Last evaluated 2026-01-28.

Conditions:
LAMA3-related disorder. Also called: LAMA3-related condition; LAMA3-related disorders.
Inborn genetic diseases. Identifiers: MedGen C0950123, MeSH D030342.
Laryngo-onycho-cutaneous syndrome (JEB2C). Also called: EPIDERMOLYSIS BULLOSA, JUNCTIONAL 2C, LARYNGOONYCHOCUTANEOUS; SHABBIR SYNDROME; LOGIC SYNDROME. Identifiers: Orphanet 2407, MedGen C1328355, MONDO:0009513, OMIM 245660.
Junctional epidermolysis bullosa gravis of Herlitz. Also called: EPIDERMOLYSIS BULLOSA JUNCTIONALIS, HERLITZ TYPE; EPIDERMOLYSIS BULLOSA, JUNCTIONAL, HERLITZ-PEARSON TYPE; EPIDERMOLYSIS BULLOSA, JUNCTIONAL 1B, SEVERE; JEB-HERLITZ TYPE; Herlitz-type junctional epidermolysis bullosa; Epidermolysis Bullosa Letalis. Identifiers: Orphanet 79404, MedGen C0079683, MONDO:0009182, OMIM 226700.

Allele frequency attached by ClinVar (database versions not stated): ESP Exome Variant Server 0.00069; gnomAD 0.00090 and 0.00094; 1000 Genomes Project 0.00100; gnomAD exomes 0.00104; TOPMed 0.00104; ExAC 0.00106; 1000 Genomes Project 30x 0.00156.
gnomAD v4.1: 2,122 of 1,614,182 alleles (0.13%); highest among the groups gnomAD compares: Non-Finnish European, 0.15%; 1 homozygote.

Submissions (7):

Labcorp Genetics (formerly Invitae), Labcorp
Classification: Benign. Last evaluated: 2026-01-28. Review status: criteria provided, single submitter. Criteria: Invitae Variant Classification Sherloc (09022015). Collection method: clinical testing. Allele origin: germline.

Blueprint Genetics
Classification: Likely benign. Last evaluated: 2024-11-19. Review status: criteria provided, single submitter. Criteria: ACMG Guidelines, 2015. Collection method: clinical testing. Allele origin: germline.

PreventionGenetics, part of Exact Sciences
Classification: Likely benign for LAMA3-related condition. Last evaluated: 2024-11-19. Review status: criteria provided, single submitter. Criteria: ACMG Guidelines, 2015. Collection method: clinical testing. Allele origin: germline.
Comment: This variant is classified as likely benign based on ACMG/AMP sequence variant interpretation guidelines (Richards et al. 2015 PMID: 25741868, with internal and published modifications).

Ambry Genetics
Classification: Likely benign for Inborn genetic diseases. Last evaluated: 2024-11-01. Review status: criteria provided, single submitter. Criteria: Ambry Variant Classification Scheme 2023. Collection method: clinical testing. Allele origin: germline.

CeGaT Center for Human Genetics Tuebingen
Classification: Likely benign. Last evaluated: 2023-01-01. Review status: criteria provided, single submitter. Criteria: CeGaT Center For Human Genetics Tuebingen Variant Classification Criteria Version 2. Collection method: clinical testing. Allele origin: germline. Affected: yes. Observed: 2 variant alleles.
Comment: LAMA3: BP4, BP7

Illumina Laboratory Services, Illumina
Classification: Uncertain significance for Junctional epidermolysis bullosa gravis of Herlitz. Last evaluated: 2018-01-13. Review status: criteria provided, single submitter. Criteria: ICSL Variant Classification Criteria 13 December 2019. Collection method: clinical testing. Allele origin: germline.

Illumina Laboratory Services, Illumina
Classification: Uncertain significance for Laryngo-onycho-cutaneous syndrome. Last evaluated: 2018-01-13. Review status: criteria provided, single submitter. Criteria: ICSL Variant Classification Criteria 13 December 2019. Collection method: clinical testing. Allele origin: germline.

NM_000227.6(LAMA3):c.30C>T (p.Cys10=)

Genes: LAMA3 (laminin subunit alpha 3; plus strand), LOC126862707 (MED14-independent group 3 enhancer GRCh37_chr18:21452354-21453553; plus strand). Cytogenetic location: 18q11.2.
Variant type: single nucleotide variant.
Coding change: c.30C>T on transcript NM_000227.6 (MANE Plus Clinical); coding-DNA position 30, C replaced by T.
Protein change: p.Cys10=; no amino-acid change (cysteine 10 retained).
Molecular consequence: synonymous variant. On other transcripts: intron variant (2).
Genome position (GRCh38, 1-based): chr18:23,873,074, C>T. VCF-style: chr18-23873074-C-T. GRCh37 (hg19) VCF-style: chr18-21453038-C-T.
Other names: c.30C>T, p.Cys10= (NM_001127718.4); c.4998+1413C>T (NM_198129.4, NM_001127717.4).
Identifiers: ClinVar variation 326291 (VCV000326291.46), dbSNP rs145044428, ClinGen allele CA8915809.